The following is an entry in ClinVar:

ClinVar aggregate classification (germline): Uncertain significance (1 of 4 stars; one submission).

Conditions:
Alstrom syndrome (ALMS). Identifiers: Orphanet 64, MedGen C0268425, MONDO:0008763, OMIM 203800.

gnomAD v4.1: 6 of 1,613,968 alleles (0.00037%); highest among the groups gnomAD compares: East Asian, 0.0045%; no homozygotes.

Submission:

Labcorp Genetics (formerly Invitae), Labcorp
Classification: Uncertain significance for Alstrom syndrome. Last evaluated: 2022-07-05. Review status: criteria provided, single submitter. Criteria: Invitae Variant Classification Sherloc (09022015). Collection method: clinical testing. Allele origin: germline.
Comment: This sequence change replaces arginine with tryptophan at codon 4056 of the ALMS1 protein (p.Arg4056Trp). The arginine residue is highly conserved and there is a moderate physicochemical difference between arginine and tryptophan. This variant is present in population databases (no rsID available, gnomAD 0.06%). This variant has not been reported in the literature in individuals affected with ALMS1-related conditions. ClinVar contains an entry for this variant (Variation ID: 1411651). Experimental studies and prediction algorithms are not available or were not evaluated, and the functional significance of this variant is currently unknown. In summary, the available evidence is currently insufficient to determine the role of this variant in disease. Therefore, it has been classified as a Variant of Uncertain Significance.

NM_001378454.1(ALMS1):c.12163C>T (p.Arg4055Trp)

Genes: ALMS1 (ALMS1 centrosome and basal body associated protein; plus strand), LOC126806252 (BRD4-independent group 4 enhancer GRCh37_chr2:73828496-73829695; plus strand). Cytogenetic location: 2p13.1.
Variant type: single nucleotide variant.
Coding change: c.12163C>T on transcript NM_001378454.1 (MANE Select); coding-DNA position 12163, C replaced by T.
Protein change: p.Arg4055Trp; replaces arginine 4055 with tryptophan.
Molecular consequence: missense variant.
Genome position (GRCh38, 1-based): chr2:73,602,233, C>T. VCF-style: chr2-73602233-C-T. GRCh37 (hg19) VCF-style: chr2-73829360-C-T.
Other names: c.12166C>T, p.Arg4056Trp (NM_015120.4); short protein forms R4056W, R4055W.
Identifiers: ClinVar variation 1411651 (VCV001411651.3), dbSNP rs569696567, ClinGen allele CA347267884.